The following is an entry in ClinVar:

ClinVar aggregate classification (germline): Uncertain significance. Review status: criteria provided, multiple submitters, no conflicts (2 of 4 stars). 2 submissions from 2 submitters: Uncertain significance (2). Last evaluated 2025-04-13.

Submissions (2):

Ambry Genetics
Classification: Uncertain significance. Last evaluated: 2025-04-13. Review status: criteria provided, single submitter. Criteria: Ambry Variant Classification Scheme 2023. Collection method: clinical testing. Allele origin: germline.
Comment: The p.D495E variant (also known as c.1485T>A), located in coding exon 12 of the RECQL gene, results from a T to A substitution at nucleotide position 1485. The aspartic acid at codon 495 is replaced by glutamic acid, an amino acid with highly similar properties. This amino acid position is conserved. In addition, this alteration is predicted to be tolerated by in silico analysis. Based on the available evidence, the clinical significance of this variant remains unclear.

Labcorp Genetics (formerly Invitae), Labcorp
Classification: Uncertain significance. Last evaluated: 2022-08-05. Review status: criteria provided, single submitter. Criteria: Invitae Variant Classification Sherloc (09022015). Collection method: clinical testing. Allele origin: germline.
Comment: Algorithms developed to predict the effect of missense changes on protein structure and function (SIFT, PolyPhen-2, Align-GVGD) all suggest that this variant is likely to be tolerated. This variant has not been reported in the literature in individuals affected with RECQL-related conditions. This variant is not present in population databases (gnomAD no frequency). This sequence change replaces aspartic acid, which is acidic and polar, with glutamic acid, which is acidic and polar, at codon 495 of the RECQL protein (p.Asp495Glu). In summary, the available evidence is currently insufficient to determine the role of this variant in disease. Therefore, it has been classified as a Variant of Uncertain Significance.

NM_002907.4(RECQL):c.1485T>A (p.Asp495Glu)

Gene: RECQL (RecQ like helicase; minus strand). Cytogenetic location: 12p12.1.
Variant type: single nucleotide variant.
Coding change: c.1485T>A on transcript NM_002907.4 (MANE Select); coding-DNA position 1485, T replaced by A.
Protein change: p.Asp495Glu; replaces aspartic acid 495 with glutamic acid.
Molecular consequence: missense variant.
Genome position (GRCh38, 1-based): chr12:21,471,610, A>T on the plus strand (T>A on the coding strand, the complement: RECQL is on the minus strand). VCF-style: chr12-21471610-A-T. GRCh37 (hg19) VCF-style: chr12-21624544-A-T.
Other names: c.1485T>A (NM_002907.3); c.1485T>A, p.Asp495Glu (NM_032941.3); short protein forms D495E.
Identifiers: ClinVar variation 1951668 (VCV001951668.6), dbSNP rs2540322336, ClinGen allele CA384116316.